The following is an entry in ClinVar:

ClinVar aggregate classification (germline): Uncertain significance (1 of 4 stars; one submission).

Conditions:
Cardiovascular phenotype. Identifiers: MedGen CN230736.

Allele frequency attached by ClinVar (database versions not stated): gnomAD exomes below 0.00001.
gnomAD v4.1: 1 of 1,611,984 alleles (0.000062%); highest among the groups gnomAD compares: Non-Finnish European, 0.000085%; no homozygotes.

Submission:

Ambry Genetics
Classification: Uncertain significance for Cardiovascular phenotype. Last evaluated: 2019-01-03. Review status: criteria provided, single submitter. Criteria: Ambry Variant Classification Scheme 2023. Collection method: clinical testing. Allele origin: germline.
Comment: The p.A9008V variant (also known as c.27023C>T), located in coding exon 108 of the TTN gene, results from a C to T substitution at nucleotide position 27023. The alanine at codon 9008 is replaced by valine, an amino acid with similar properties. This amino acid position is not well conserved in available vertebrate species, and valine is the reference amino acid in other vertebrate species. In addition, this alteration is predicted to be benign by PolyPhenin silico analysis. Since supporting evidence is limited at this time, the clinical significance of this alteration remains unclear.

NM_001267550.2(TTN):c.54218C>T (p.Ala18073Val)

Genes: TTN (titin; minus strand), TTN-AS1 (TTN antisense RNA 1; plus strand). Cytogenetic location: 2q31.2.
Variant type: single nucleotide variant.
Coding change: c.54218C>T on transcript NM_001267550.2 (MANE Select); coding-DNA position 54218, C replaced by T.
Protein change: p.Ala18073Val; replaces alanine 18073 with valine.
Molecular consequence: missense variant. On other transcripts: non-coding transcript variant (1).
Genome position (GRCh38, 1-based): chr2:178,604,871, G>A on the plus strand (C>T on the coding strand, the complement: TTN is on the minus strand). VCF-style: chr2-178604871-G-A. GRCh37 (hg19) VCF-style: chr2-179469598-G-A.
Other names: c.49295C>T, p.Ala16432Val (NM_001256850.1); c.27023C>T, p.Ala9008Val (NM_003319.4); c.46514C>T, p.Ala15505Val (NM_133378.4); c.27398C>T, p.Ala9133Val (NM_133432.3); c.27599C>T, p.Ala9200Val (NM_133437.4); short protein forms A15505V, A16432V, A18073V, A9008V, A9133V, A9200V.
Identifiers: ClinVar variation 3223231 (VCV003223231.1), dbSNP rs2470160937, ClinGen allele CA349555027.
Genomic context (GRCh38, chr2:178,604,871, plus strand): 5'-CCATTATCAAGAGGGGCATCCCATGTCAAGTAGCAAGATTCAGCTTTAATGTCAGTAACA[G>A]CAAGATTTCTTGGTGGGGATGGGCGGTCTGGAAAGGAATCAACAGAGAATATTGAGAAGG-3'
Protein context (NP_001254479.2, residues 18063-18083): YDRPSPPRNL[Ala18073Val]VTDIKAESCY